The following is an entry in ClinVar:

ClinVar aggregate classification (germline): Uncertain significance (0 of 4 stars; one submission).

Conditions:
MTOR-related disorder. Also called: MTOR-related condition.

Submission:

PreventionGenetics, part of Exact Sciences
Classification: Uncertain significance for MTOR-related condition. Last evaluated: 2024-02-22. Review status: no assertion criteria provided. Collection method: clinical testing. Allele origin: germline.
Comment: The MTOR c.4605G>A variant is predicted to result in the amino acid substitution p.Met1535Ile. To our knowledge, this variant has not been reported in the literature or in a large population database, indicating this variant is rare. At this time, the clinical significance of this variant is uncertain due to the absence of conclusive functional and genetic evidence.

NM_004958.4(MTOR):c.4605G>A (p.Met1535Ile)

Genes: MTOR (mechanistic target of rapamycin kinase; minus strand), MTOR-AS1 (MTOR antisense RNA 1; plus strand). Cytogenetic location: 1p36.22.
Variant type: single nucleotide variant.
Coding change: c.4605G>A on transcript NM_004958.4 (MANE Select); coding-DNA position 4605, G replaced by A.
Protein change: p.Met1535Ile; replaces methionine 1535 with isoleucine.
Molecular consequence: missense variant.
Genome position (GRCh38, 1-based): chr1:11,146,757, C>T on the plus strand (G>A on the coding strand, the complement: MTOR is on the minus strand). VCF-style: chr1-11146757-C-T. GRCh37 (hg19) VCF-style: chr1-11206814-C-T.
Other names: c.3357G>A, p.Met1119Ile (NM_001386501.1); c.4605G>A, p.Met1535Ile (NM_001386500.1); short protein forms M1119I, M1535I.
Identifiers: ClinVar variation 3061270 (VCV003061270.2), dbSNP rs2522508731, ClinGen allele CA338368602.